The following is an entry in ClinVar:

ClinVar aggregate classification (germline): Likely benign. Review status: criteria provided, multiple submitters, no conflicts (2 of 4 stars). 2 submissions from 2 submitters: Likely benign (2). Last evaluated 2026-04-15.

Conditions:
Zellweger spectrum disorders (ZS). Also called: Zellweger syndrome; Zellweger Spectrum Disorder (ZSD); Zellweger Spectrum Disorder; Zellweger Spectrum. Identifiers: Orphanet 912, MedGen C0043459, MONDO:0019609.
PEX1-related disorder. Also called: PEX1-related condition.

Allele frequency attached by ClinVar (database versions not stated): gnomAD exomes below 0.00001; gnomAD 0.00001.
gnomAD v4.1: 2 of 1,613,174 alleles (0.00012%); highest among the groups gnomAD compares: African/African-American, 0.0027%; no homozygotes.

Submissions (2):

PreventionGenetics, part of Exact Sciences
Classification: Likely benign for PEX1-related condition. Last evaluated: 2026-04-15. Review status: criteria provided, single submitter. Criteria: ACMG Guidelines, 2015. Collection method: clinical testing. Allele origin: germline.
Comment: This variant is classified as likely benign based on ACMG/AMP sequence variant interpretation guidelines (Richards et al. 2015 PMID: 25741868, with internal and published modifications).

Labcorp Genetics (formerly Invitae), Labcorp
Classification: Likely benign for Zellweger spectrum disorders. Last evaluated: 2022-08-05. Review status: criteria provided, single submitter. Criteria: Invitae Variant Classification Sherloc (09022015). Collection method: clinical testing. Allele origin: germline.

NM_000466.3(PEX1):c.2926+9T>C

Genes: GATAD1 (GATA zinc finger domain containing 1; plus strand), PEX1 (peroxisomal biogenesis factor 1; minus strand). Cytogenetic location: 7q21.2.
Variant type: single nucleotide variant.
Coding change: c.2926+9T>C on transcript NM_000466.3 (MANE Select); 9 bases into the intron after coding-DNA position 2926, T replaced by C.
Molecular consequence: intron variant.
Genome position (GRCh38, 1-based): chr7:92,494,478, A>G on the plus strand (T>C on the coding strand, the complement: PEX1 is on the minus strand). VCF-style: chr7-92494478-A-G. GRCh37 (hg19) VCF-style: chr7-92123792-A-G.
Other names: c.2926+9T>C (NM_000466.2); c.2755+9T>C (NM_001282677.2); c.2302+9T>C (NM_001282678.2).
Identifiers: ClinVar variation 2149859 (VCV002149859.5), dbSNP rs1791543163, ClinGen allele CA1104487936.